The following is an entry in ClinVar:

ClinVar aggregate classification (germline): Uncertain significance (1 of 4 stars; one submission).

Submission:

GeneDx
Classification: Uncertain significance. Last evaluated: 2022-10-20. Review status: criteria provided, single submitter. Criteria: GeneDx Variant Classification Process June 2021. Collection method: clinical testing. Allele origin: germline. Affected: yes.
Comment: Not observed at significant frequency in large population cohorts (gnomAD); In silico analysis supports that this missense variant has a deleterious effect on protein structure/function; Missense variants in this gene are often considered pathogenic (HGMD); This substitution is predicted to be in the cytoplasmic loop between the first and second homologous domains; Has not been previously published as pathogenic or benign to our knowledge

NM_001165963.4(SCN1A):c.2145T>G (p.Ser715Arg)

Gene: SCN1A (sodium voltage-gated channel alpha subunit 1; minus strand). Cytogenetic location: 2q24.3.
Variant type: single nucleotide variant.
Coding change: c.2145T>G on transcript NM_001165963.4 (MANE Select); coding-DNA position 2145, T replaced by G.
Protein change: p.Ser715Arg; replaces serine 715 with arginine.
Molecular consequence: missense variant. On other transcripts: 5 prime UTR variant (1), non-coding transcript variant (1).
Genome position (GRCh38, 1-based): chr2:166,042,323, A>C on the plus strand (T>G on the coding strand, the complement: SCN1A is on the minus strand). VCF-style: chr2-166042323-A-C. GRCh37 (hg19) VCF-style: chr2-166898833-A-C.
Other names: c.2061T>G, p.Ser687Arg (NM_001165964.3, NM_001353957.2, NM_001353958.2); c.2145T>G, p.Ser715Arg (NM_001202435.3, NM_001353948.2); c.2112T>G, p.Ser704Arg (NM_001353949.2, NM_001353950.2, NM_001353951.2 and 2 more transcripts); c.2109T>G, p.Ser703Arg (NM_001353954.2, NM_001353955.2); c.2058T>G, p.Ser686Arg (NM_001353960.2); c.-314T>G (NM_001353961.2); short protein forms S686R, S687R, S703R, S704R, S715R.
Identifiers: ClinVar variation 2499870 (VCV002499870.1), dbSNP rs772751252, ClinGen allele CA349065725.